The following is an entry in ClinVar:

ClinVar aggregate classification (germline): Conflicting classifications of pathogenicity. Review status: criteria provided, conflicting classifications (1 of 4 stars). 2 submissions from 2 submitters: Uncertain significance (1); Likely benign (1). Last evaluated 2026-04-01.

Conditions:
Intellectual developmental disorder, autosomal dominant 57. Also called: MENTAL RETARDATION, AUTOSOMAL DOMINANT 57; Intellectual disability, autosomal dominant 57. Identifiers: MedGen C4748003, MONDO:0054837, OMIM 618050.

Submissions (2):

CeGaT Center for Human Genetics Tuebingen
Classification: Likely benign. Last evaluated: 2026-04-01. Review status: criteria provided, single submitter. Criteria: CeGaT Center For Human Genetics Tuebingen Variant Classification Criteria Version 2. Collection method: clinical testing. Allele origin: germline. Affected: yes. Observed: 5 variant alleles.
Comment: TLK2: BS1

MGZ Medical Genetics Center
Classification: Uncertain significance for Intellectual developmental disorder, autosomal dominant 57. Last evaluated: 2021-09-03. Review status: criteria provided, single submitter. Criteria: ACMG Guidelines, 2015. Collection method: clinical testing. Allele origin: germline. Affected: yes. Observed: 2 variant alleles.
Comment: ACMG criteria applied: PM2_SUP

NM_006852.6(TLK2):c.-6+223_-6+229dup

Genes: TLK2 (tousled like kinase 2; plus strand), LOC130061370 (ATAC-STARR-seq lymphoblastoid silent region 8808; plus strand). Cytogenetic location: 17q23.2.
Variant type: Duplication.
Coding change: c.-6+223_-6+229dup on transcript NM_006852.6 (MANE Select); bases 223 to 229 of the intron after 6 bases upstream of the start codon, 7 bases duplicated (GGGCCGG; older notation c.-6+223_-6+229dupGGGCCGG).
Molecular consequence: intron variant. On other transcripts: frameshift variant (1).
Genome position (GRCh38, 1-based): chr17:62,479,513-62,479,519, GGGCCGG duplicated; duplicating any 7 consecutive bases within chr17:62,479,512-62,479,519 gives the same sequence; the c. name uses the placement nearest the transcript's 3' end. VCF-style (leftmost placement, unchanged base first): chr17-62479511-T-TGGGGCCG. GRCh37 (hg19) VCF-style: chr17-60556872-T-TGGGGCCG.
Other names: c.36_42dup, p.Arg15fs (NM_001375269.1); c.-3+1432_-3+1438dup (NM_001375271.1); c.-500+223_-500+229dup (NM_001375273.1); c.-3+223_-3+229dup (NM_001375270.1, NM_001375272.1, NM_001284333.3); c.-503+223_-503+229dup (NM_001330418.3); c.-6+221_-6+222insGGGGCCG (NM_006852.6); short protein forms R15fs.
Identifiers: ClinVar variation 1694856 (VCV001694856.33), dbSNP rs1237399626, ClinGen allele CA626827489.